The following is an entry in ClinVar:

NM_001999.4(FBN2):c.6252C>T (p.Pro2084=)

Gene: FBN2 (fibrillin 2; minus strand). Cytogenetic location: 5q23.3.
Variant type: single nucleotide variant.
Coding change: c.6252C>T on transcript NM_001999.4 (MANE Select); coding-DNA position 6252, C replaced by T.
Protein change: p.Pro2084=; no amino-acid change (proline 2084 retained).
Molecular consequence: synonymous variant.
Genome position (GRCh38, 1-based): chr5:128,291,569, G>A on the plus strand (C>T on the coding strand, the complement: FBN2 is on the minus strand). VCF-style: chr5-128291569-G-A. GRCh37 (hg19) VCF-style: chr5-127627261-G-A.
Identifiers: ClinVar variation 392674 (VCV000392674.3), dbSNP rs1057524589, ClinGen allele CA16604829.

ClinVar aggregate classification (germline): Likely benign. Review status: criteria provided, multiple submitters, no conflicts (2 of 4 stars). 2 submissions from 2 submitters: Likely benign (2). Last evaluated 2024-12-03.

Conditions:
Congenital contractural arachnodactyly (CCA). Also called: Arthrogryposis, distal, type 9; BEALS SYNDROME; Beals-Hecht syndrome. Identifiers: Orphanet 115, MedGen C0220668, MONDO:0007363, OMIM 121050.

Submissions (2):

Labcorp Genetics (formerly Invitae), Labcorp
Classification: Likely benign for Congenital contractural arachnodactyly. Last evaluated: 2024-12-03. Review status: criteria provided, single submitter. Criteria: Invitae Variant Classification Sherloc (09022015). Collection method: clinical testing. Allele origin: germline.

GeneDx
Classification: Likely benign. Last evaluated: 2017-01-13. Review status: criteria provided, single submitter. Criteria: GeneDx Variant Classification (06012015). Collection method: clinical testing. Allele origin: germline. Affected: yes.
Comment: This variant is considered likely benign or benign based on one or more of the following criteria: it is a conservative change, it occurs at a poorly conserved position in the protein, it is predicted to be benign by multiple in silico algorithms, and/or has population frequency not consistent with disease.